The following is an entry in ClinVar:

NM_002283.4(KRT85):c.190C>A (p.Pro64Thr)

Gene: KRT85 (keratin 85; minus strand). Cytogenetic location: 12q13.13.
Variant type: single nucleotide variant.
Coding change: c.190C>A on transcript NM_002283.4 (MANE Select); coding-DNA position 190, C replaced by A.
Protein change: p.Pro64Thr; replaces proline 64 with threonine.
Molecular consequence: missense variant.
Genome position (GRCh38, 1-based): chr12:52,367,216, G>T on the plus strand (C>A on the coding strand, the complement: KRT85 is on the minus strand). VCF-style: chr12-52367216-G-T. GRCh37 (hg19) VCF-style: chr12-52761000-G-T.
Other names: short protein forms P64T.
Identifiers: ClinVar variation 2322645 (VCV002322645.7), dbSNP rs200758226, ClinGen allele CA6578381.
Genomic context (GRCh38, chr12:52,367,216, plus strand): 5'-AGCGGTAGCCGAAGCTGCGTCCGCAGGAGCCGGCTCGGAAGCCACCTACAGCTATCCGGG[G>T]CCCGCAGGAGCCCAGGTTGCAGAGGCTGCGGCTGCCGAAGCCCGTCAGCCCTCGGTAGCA-3'
Protein context (NP_002274.1, residues 54-74): RSLCNLGSCG[Pro64Thr]RIAVGGFRAG

ClinVar aggregate classification (germline): Conflicting classifications of pathogenicity. Review status: criteria provided, conflicting classifications (1 of 4 stars). 3 submissions from 3 submitters: Uncertain significance (1); Benign (1). 1 of the submissions does not count toward it. Last evaluated 2023-11-03.

Conditions:
KRT85-related disorder. Also called: KRT85-related condition.

Allele frequency attached by ClinVar (database versions not stated): 1000 Genomes Project 0.00020; ESP Exome Variant Server 0.00023; 1000 Genomes Project 30x 0.00031; ExAC 0.00033.
gnomAD v4.1: 382 of 1,613,478 alleles (0.024%); highest among the groups gnomAD compares: Middle Eastern, 0.25%; 3 homozygotes.

Submissions (3):

Labcorp Genetics (formerly Invitae), Labcorp
Classification: Benign. Last evaluated: 2023-11-03. Review status: criteria provided, single submitter. Criteria: Invitae Variant Classification Sherloc (09022015). Collection method: clinical testing. Allele origin: germline.

Ambry Genetics
Classification: Uncertain significance. Last evaluated: 2022-01-31. Review status: criteria provided, single submitter. Criteria: Ambry Variant Classification Scheme 2023. Collection method: clinical testing. Allele origin: germline.

PreventionGenetics, part of Exact Sciences
Classification: Likely benign for KRT85-related condition. Last evaluated: 2023-01-12. Review status: no assertion criteria provided. Collection method: clinical testing. Allele origin: germline. Not counted in ClinVar's aggregate classification.
Comment: This variant is classified as likely benign based on ACMG/AMP sequence variant interpretation guidelines (Richards et al. 2015 PMID: 25741868, with internal and published modifications).